The following is an entry in ClinVar:

ClinVar aggregate classification (germline): Uncertain significance. Review status: criteria provided, single submitter (1 of 4 stars). 2 submissions from 2 submitters: Uncertain significance (1). 1 of the submissions does not count toward it. Last evaluated 2024-05-19.

Conditions:
High myopia. Also called: Severe Myopia. Identifiers: MedGen C0271183, HP:0011003.

Allele frequency attached by ClinVar (database versions not stated): gnomAD 0.00001; gnomAD exomes 0.00001.
gnomAD v4.1: 6 of 1,613,022 alleles (0.00037%); highest among the groups gnomAD compares: Non-Finnish European, 0.00051%; no homozygotes.

Submissions (2):

Labcorp Genetics (formerly Invitae), Labcorp
Classification: Uncertain significance. Last evaluated: 2024-05-19. Review status: criteria provided, single submitter. Criteria: Invitae Variant Classification Sherloc (09022015). Collection method: clinical testing. Allele origin: germline.
Comment: This sequence change replaces tyrosine, which is neutral and polar, with asparagine, which is neutral and polar, at codon 178 of the NFKB1 protein (p.Tyr178Asn). This variant is present in population databases (no rsID available, gnomAD 0.007%). This variant has not been reported in the literature in individuals affected with NFKB1-related conditions. ClinVar contains an entry for this variant (Variation ID: 623457). An algorithm developed to predict the effect of missense changes on protein structure and function (PolyPhen-2) suggests that this variant is likely to be tolerated. In summary, the available evidence is currently insufficient to determine the role of this variant in disease. Therefore, it has been classified as a Variant of Uncertain Significance.

Institute of Human Genetics, Polish Academy of Sciences
Classification: Uncertain significance for Severe Myopia. Last evaluated: 2018-12-17. Review status: no assertion criteria provided. Collection method: research. Allele origin: unknown. Affected: yes. Not counted in ClinVar's aggregate classification.

NM_003998.4(NFKB1):c.532T>A (p.Tyr178Asn)

Gene: NFKB1 (nuclear factor kappa B subunit 1; plus strand). Cytogenetic location: 4q24.
Variant type: single nucleotide variant.
Coding change: c.532T>A on transcript NM_003998.4 (MANE Select); coding-DNA position 532, T replaced by A.
Protein change: p.Tyr178Asn; replaces tyrosine 178 with asparagine.
Molecular consequence: missense variant.
Genome position (GRCh38, 1-based): chr4:102,577,000, T>A. VCF-style: chr4-102577000-T-A. GRCh37 (hg19) VCF-style: chr4-103498157-T-A.
Other names: c.532T>A, p.Tyr178Asn (LRG_1316t1); c.529T>A, p.Tyr177Asn (NM_001165412.2, NM_001319226.2); short protein forms Y177N, Y178N.
Identifiers: ClinVar variation 623457 (VCV000623457.6), dbSNP rs1425802039, ClinGen allele CA357959314.
Genomic context (GRCh38, chr4:102,577,000, plus strand): 5'-ATGACAGAGGCGTGTATAAGGGGCTATAATCCTGGACTCTTGGTGCACCCTGACCTTGCC[T>A]ATTTGCAAGCAGAAGGTGGAGGGGACCGGCAGCTGGGAGGTAAGCATCATTTTCCTGGCC-3'
Protein context (NP_003989.2, residues 168-188): PGLLVHPDLA[Tyr178Asn]LQAEGGGDRQ